The following is an entry in ClinVar:

NM_181882.3(PRX):c.3028G>A (p.Ala1010Thr)

Gene: PRX (periaxin; minus strand). Cytogenetic location: 19q13.2.
Variant type: single nucleotide variant.
Coding change: c.3028G>A on transcript NM_181882.3 (MANE Select); coding-DNA position 3028, G replaced by A.
Protein change: p.Ala1010Thr; replaces alanine 1010 with threonine.
Molecular consequence: missense variant. On other transcripts: 3 prime UTR variant (1).
Genome position (GRCh38, 1-based): chr19:40,395,324, C>T on the plus strand (G>A on the coding strand, the complement: PRX is on the minus strand). VCF-style: chr19-40395324-C-T. GRCh37 (hg19) VCF-style: chr19-40901231-C-T.
Other names: c.*3233G>A (NM_020956.2); short protein forms A1010T.
Identifiers: ClinVar variation 1489726 (VCV001489726.8), dbSNP rs2079422267, ClinGen allele CA405895104.

ClinVar aggregate classification (germline): Uncertain significance (1 of 4 stars; one submission).

Conditions:
Charcot-Marie-Tooth disease type 4. Also called: Charcot-Marie-Tooth disease, type IV; Charcot-Marie-Tooth, Type 4. Identifiers: Orphanet 64749, MedGen C4082197, MONDO:0018995.

Allele frequency attached by ClinVar (database versions not stated): TOPMed below 0.00001.

Submission:

Labcorp Genetics (formerly Invitae), Labcorp
Classification: Uncertain significance for Charcot-Marie-Tooth disease type 4. Last evaluated: 2020-11-29. Review status: criteria provided, single submitter. Criteria: Invitae Variant Classification Sherloc (09022015). Collection method: clinical testing. Allele origin: germline.
Comment: This sequence change replaces alanine with threonine at codon 1010 of the PRX protein (p.Ala1010Thr). The alanine residue is moderately conserved and there is a small physicochemical difference between alanine and threonine. This variant is not present in population databases (ExAC no frequency). This variant has not been reported in the literature in individuals with PRX-related conditions. Algorithms developed to predict the effect of missense changes on protein structure and function are either unavailable or do not agree on the potential impact of this missense change (SIFT: "Tolerated"; PolyPhen-2: "Possibly Damaging"; Align-GVGD: "Class C0"). In summary, the available evidence is currently insufficient to determine the role of this variant in disease. Therefore, it has been classified as a Variant of Uncertain Significance.